The following is an entry in ClinVar:

ClinVar aggregate classification (germline): Uncertain significance. Review status: criteria provided, multiple submitters, no conflicts (2 of 4 stars). 3 submissions from 3 submitters: Uncertain significance (3). Last evaluated 2025-12-01.

Conditions:
Familial thoracic aortic aneurysm and aortic dissection (TAAD). Also called: Thoracic aortic aneurysms and dissections. Identifiers: Orphanet 91387, MedGen C4707243, MONDO:0019625.
Shprintzen-Goldberg syndrome (SGS). Also called: CRANIOSYNOSTOSIS WITH ARACHNODACTYLY AND ABDOMINAL HERNIAS; Marfanoid disorder with craniosynostosis type 1; Marfanoid craniosynostosis syndrome; Shprintzen-Goldberg marfanoid syndrome; SHPRINTZEN-GOLDBERG CRANIOSYNOSTOSIS SYNDROME. Identifiers: Orphanet 2462, MedGen C1321551, MONDO:0008426, OMIM 182212.

Allele frequency attached by ClinVar (database versions not stated): gnomAD exomes below 0.00001.
gnomAD v4.1: 2 of 1,608,298 alleles (0.00012%); highest among the groups gnomAD compares: Non-Finnish European, 0.00017%; no homozygotes.

Submissions (3):

CeGaT Center for Human Genetics Tuebingen
Classification: Uncertain significance. Last evaluated: 2025-12-01. Review status: criteria provided, single submitter. Criteria: CeGaT Center For Human Genetics Tuebingen Variant Classification Criteria Version 2. Collection method: clinical testing. Allele origin: germline. Affected: yes. Observed: 1 variant allele.
Comment: SKI: PM2, PM1:Supporting

Labcorp Genetics (formerly Invitae), Labcorp
Classification: Uncertain significance for Shprintzen-Goldberg syndrome. Last evaluated: 2024-10-16. Review status: criteria provided, single submitter. Criteria: Invitae Variant Classification Sherloc (09022015). Collection method: clinical testing. Allele origin: germline.
Comment: This sequence change replaces valine, which is neutral and non-polar, with alanine, which is neutral and non-polar, at codon 104 of the SKI protein (p.Val104Ala). This variant is not present in population databases (gnomAD no frequency). This variant has not been reported in the literature in individuals affected with SKI-related conditions. ClinVar contains an entry for this variant (Variation ID: 264417). Invitae Evidence Modeling of protein sequence and biophysical properties (such as structural, functional, and spatial information, amino acid conservation, physicochemical variation, residue mobility, and thermodynamic stability) indicates that this missense variant is not expected to disrupt SKI protein function with a negative predictive value of 95%. In summary, the available evidence is currently insufficient to determine the role of this variant in disease. Therefore, it has been classified as a Variant of Uncertain Significance.

Ambry Genetics
Classification: Uncertain significance for Familial thoracic aortic aneurysm and aortic dissection. Last evaluated: 2015-09-17. Review status: criteria provided, single submitter. Criteria: Ambry Variant Classification Scheme 2023. Collection method: clinical testing. Allele origin: germline.
Comment: The p.V104A variant (also known as c.311T>C), located in coding exon 1 of the SKI gene, results from a T to C substitution at nucleotide position 311. The valine at codon 104 is replaced by alanine, an amino acid with similar properties. This variant was not reported in population based cohorts in the following databases: Database of Single Nucleotide Polymorphisms (dbSNP), NHLBI Exome Sequencing Project (ESP), and 1000 Genomes Project. In the ESP, this variant was not observed in 6491 samples (12982 alleles) with coverage at this position. This amino acid position is not well conserved on limited sequence alignment. In addition, this alteration is predicted to be tolerated by in silico analysis. Since supporting evidence is limited at this time, the clinical significance of this variant remains unclear.

NM_003036.4(SKI):c.311T>C (p.Val104Ala)

Gene: SKI (SKI proto-oncogene; plus strand). Cytogenetic location: 1p36.33.
Variant type: single nucleotide variant.
Coding change: c.311T>C on transcript NM_003036.4 (MANE Select); coding-DNA position 311, T replaced by C.
Protein change: p.Val104Ala; replaces valine 104 with alanine.
Molecular consequence: missense variant.
Genome position (GRCh38, 1-based): chr1:2,229,077, T>C. VCF-style: chr1-2229077-T-C. GRCh37 (hg19) VCF-style: chr1-2160516-T-C.
Other names: short protein forms V104A.
Identifiers: ClinVar variation 264417 (VCV000264417.13), dbSNP rs886039149, ClinGen allele CA10587424.